The following is an entry in ClinVar:

NM_173477.5(USH1G):c.931G>A (p.Gly311Ser)

Gene: USH1G (USH1 protein network component sans; minus strand). Cytogenetic location: 17q25.1.
Variant type: single nucleotide variant.
Coding change: c.931G>A on transcript NM_173477.5 (MANE Select); coding-DNA position 931, G replaced by A.
Protein change: p.Gly311Ser; replaces glycine 311 with serine.
Molecular consequence: missense variant.
Genome position (GRCh38, 1-based): chr17:74,919,905, C>T on the plus strand (G>A on the coding strand, the complement: USH1G is on the minus strand). VCF-style: chr17-74919905-C-T. GRCh37 (hg19) VCF-style: chr17-72916000-C-T.
Other names: c.622G>A, p.Gly208Ser (NM_001282489.3); short protein forms G208S, G311S.
Identifiers: ClinVar variation 957635 (VCV000957635.8), dbSNP rs2038915423, ClinGen allele CA400962472.
Genomic context (GRCh38, chr17:74,919,905, plus strand): 5'-GGCCCAGTCCGTGCAGCCCACTGCTCAAGTAATTTCTGCGGAACACCATGGTGCCCAGGC[C>T]GGGGCGGGTAAACAGGGAGTCGTGGCCTGAGTCGGTGCTGACCTCCGAGTGGGCAGGCTC-3'
Protein context (NP_775748.2, residues 301-321): SGHDSLFTRP[Gly311Ser]LGTMVFRRNY

ClinVar aggregate classification (germline): Uncertain significance (1 of 4 stars; one submission).

Allele frequency attached by ClinVar (database versions not stated): gnomAD exomes below 0.00001.

Submission:

Labcorp Genetics (formerly Invitae), Labcorp
Classification: Uncertain significance. Last evaluated: 2019-09-26. Review status: criteria provided, single submitter. Criteria: Invitae Variant Classification Sherloc (09022015). Collection method: clinical testing. Allele origin: germline.
Comment: In summary, the available evidence is currently insufficient to determine the role of this variant in disease. Therefore, it has been classified as a Variant of Uncertain Significance. Algorithms developed to predict the effect of sequence changes on RNA splicing suggest that this variant may create or strengthen a splice site, but this prediction has not been confirmed by published transcriptional studies. Algorithms developed to predict the effect of missense changes on protein structure and function are either unavailable or do not agree on the potential impact of this missense change (SIFT: "Tolerated"; PolyPhen-2: "Probably Damaging"; Align-GVGD: "Class C0"). This variant has not been reported in the literature in individuals with USH1G-related conditions. This variant is not present in population databases (ExAC no frequency). This sequence change replaces glycine with serine at codon 311 of the USH1G protein (p.Gly311Ser). The glycine residue is highly conserved and there is a small physicochemical difference between glycine and serine.